The following is an entry in ClinVar:

NM_003392.7(WNT5A):c.692A>G (p.Tyr231Cys)

Gene: WNT5A (Wnt family member 5A; minus strand). Cytogenetic location: 3p14.3.
Variant type: single nucleotide variant.
Coding change: c.692A>G on transcript NM_003392.7 (MANE Select); coding-DNA position 692, A replaced by G.
Protein change: p.Tyr231Cys; replaces tyrosine 231 with cysteine.
Molecular consequence: missense variant.
Genome position (GRCh38, 1-based): chr3:55,470,543, T>C on the plus strand (A>G on the coding strand, the complement: WNT5A is on the minus strand). VCF-style: chr3-55470543-T-C. GRCh37 (hg19) VCF-style: chr3-55504571-T-C.
Other names: c.647A>G, p.Tyr216Cys (NM_001256105.1, NM_001377271.1, NM_001377272.1); c.692A>G (NM_003392.4, NM_003392.3); short protein forms Y216C, Y231C.
Identifiers: ClinVar variation 1918246 (VCV001918246.8), dbSNP rs376640377, ClinGen allele CA2458980.

ClinVar aggregate classification (germline): Conflicting classifications of pathogenicity. Review status: criteria provided, conflicting classifications (1 of 4 stars). 3 submissions from 3 submitters: Uncertain significance (2); Likely benign (1). Last evaluated 2025-03-11.

Conditions:
Inborn genetic diseases. Identifiers: MedGen C0950123, MeSH D030342.

Allele frequency attached by ClinVar (database versions not stated): gnomAD exomes 0.00001; gnomAD 0.00009; ExAC 0.00010; TOPMed 0.00014; ESP Exome Variant Server 0.00023.

Submissions (3):

Labcorp Genetics (formerly Invitae), Labcorp
Classification: Uncertain significance. Last evaluated: 2025-03-11. Review status: criteria provided, single submitter. Criteria: Invitae Variant Classification Sherloc (09022015). Collection method: clinical testing. Allele origin: germline.
Comment: This sequence change replaces tyrosine, which is neutral and polar, with cysteine, which is neutral and slightly polar, at codon 231 of the WNT5A protein (p.Tyr231Cys). This variant is present in population databases (rs376640377, gnomAD 0.05%), and has an allele count higher than expected for a pathogenic variant. This variant has not been reported in the literature in individuals affected with WNT5A-related conditions. ClinVar contains an entry for this variant (Variation ID: 1918246). Invitae Evidence Modeling of protein sequence and biophysical properties (such as structural, functional, and spatial information, amino acid conservation, physicochemical variation, residue mobility, and thermodynamic stability) indicates that this missense variant is not expected to disrupt WNT5A protein function with a negative predictive value of 80%. In summary, the available evidence is currently insufficient to determine the role of this variant in disease. Therefore, it has been classified as a Variant of Uncertain Significance.

GeneDx
Classification: Uncertain significance. Last evaluated: 2024-02-28. Review status: criteria provided, single submitter. Criteria: GeneDx Variant Classification Process June 2021. Collection method: clinical testing. Allele origin: germline. Affected: yes.
Comment: In silico analysis supports that this missense variant has a deleterious effect on protein structure/function; Has not been previously published as pathogenic or benign to our knowledge

Ambry Genetics
Classification: Likely benign for Inborn genetic diseases. Last evaluated: 2023-01-20. Review status: criteria provided, single submitter. Criteria: Ambry Variant Classification Scheme 2023. Collection method: clinical testing. Allele origin: germline.